The following is an entry in ClinVar:

NM_017909.4(RMND1):c.783C>T (p.Ile261=)

Gene: RMND1 (required for meiotic nuclear division 1 homolog; minus strand). Cytogenetic location: 6q25.1.
Variant type: single nucleotide variant.
Coding change: c.783C>T on transcript NM_017909.4 (MANE Select); coding-DNA position 783, C replaced by T.
Protein change: p.Ile261=; no amino-acid change (isoleucine 261 retained).
Molecular consequence: synonymous variant.
Genome position (GRCh38, 1-based): chr6:151,427,529, G>A on the plus strand (C>T on the coding strand, the complement: RMND1 is on the minus strand). VCF-style: chr6-151427529-G-A. GRCh37 (hg19) VCF-style: chr6-151748664-G-A.
Other names: p.I261I:ATC>ATT; p.Ile261=; c.273C>T, p.Ile91= (NM_001271937.2).
Identifiers: ClinVar variation 138913 (VCV000138913.14), dbSNP rs17081207, ClinGen allele CA293081.

ClinVar aggregate classification (germline): Benign. Review status: criteria provided, multiple submitters, no conflicts (2 of 4 stars). 5 submissions from 5 submitters: Benign (4). 1 of the submissions does not count toward it. Last evaluated 2026-01-17.

Conditions:
RMND1-related disorder. Also called: RMND1-related condition.
Combined oxidative phosphorylation defect type 11. Also called: ENCEPHALONEUROMYOPATHY, INFANTILE, DUE TO MITOCHONDRIAL TRANSLATION DEFECT; Combined oxidative phosphorylation deficiency 11. Identifiers: Orphanet 324535, MedGen C5190991, MONDO:0013969, OMIM 614922.

Allele frequency attached by ClinVar (database versions not stated): gnomAD exomes 0.00097 and 0.00256; ExAC 0.00283; gnomAD 0.00779 and 0.00841; 1000 Genomes Project 0.00819; TOPMed 0.00872; ESP Exome Variant Server 0.01015; 1000 Genomes Project 30x 0.01031.
gnomAD v4.1: 2,639 of 1,612,444 alleles (0.16%); highest among the groups gnomAD compares: African/African-American, 2.6%; 35 homozygotes.

Submissions (5):

Labcorp Genetics (formerly Invitae), Labcorp
Classification: Benign. Last evaluated: 2026-01-17. Review status: criteria provided, single submitter. Criteria: Invitae Variant Classification Sherloc (09022015). Collection method: clinical testing. Allele origin: germline.

Fulgent Genetics
Classification: Benign for Combined oxidative phosphorylation defect type 11. Last evaluated: 2021-07-27. Review status: criteria provided, single submitter. Criteria: ACMG Guidelines, 2015. Collection method: clinical testing. Allele origin: unknown.

Mayo Clinic Laboratories, Mayo Clinic
Classification: Benign. Last evaluated: 2019-02-26. Review status: criteria provided, single submitter. Criteria: ACMG Guidelines, 2015. Collection method: clinical testing. Allele origin: germline. Observed: 7 variant alleles.

GeneDx
Classification: Benign. Last evaluated: 2014-02-04. Review status: criteria provided, single submitter. Criteria: GeneDx Variant Classification (06012015). Collection method: clinical testing. Allele origin: germline. Affected: yes.
Comment: This variant is considered likely benign or benign based on one or more of the following criteria: it is a conservative change, it occurs at a poorly conserved position in the protein, it is predicted to be benign by multiple in silico algorithms, and/or has population frequency not consistent with disease.

PreventionGenetics, part of Exact Sciences
Classification: Benign for RMND1-related condition. Last evaluated: 2024-02-19. Review status: no assertion criteria provided. Collection method: clinical testing. Allele origin: germline. Not counted in ClinVar's aggregate classification.
Comment: This variant is classified as benign based on ACMG/AMP sequence variant interpretation guidelines (Richards et al. 2015 PMID: 25741868, with internal and published modifications).